The following is an entry in ClinVar:

NM_000079.4(CHRNA1):c.1247C>T (p.Ala416Val)

Gene: CHRNA1 (cholinergic receptor nicotinic alpha 1 subunit; minus strand). Cytogenetic location: 2q31.1.
Variant type: single nucleotide variant.
Coding change: c.1247C>T on transcript NM_000079.4 (MANE Select); coding-DNA position 1247, C replaced by T.
Protein change: p.Ala416Val; replaces alanine 416 with valine.
Molecular consequence: missense variant.
Genome position (GRCh38, 1-based): chr2:174,748,251, G>A on the plus strand (C>T on the coding strand, the complement: CHRNA1 is on the minus strand). VCF-style: chr2-174748251-G-A. GRCh37 (hg19) VCF-style: chr2-175612979-G-A.
Other names: c.1322C>T, p.Ala441Val (NM_001039523.3); c.1322C>T (NM_001039523.2); short protein forms A441V, A416V.
Identifiers: ClinVar variation 332439 (VCV000332439.19), dbSNP rs367751078, ClinGen allele CA1974319.

ClinVar aggregate classification (germline): Uncertain significance. Review status: criteria provided, multiple submitters, no conflicts (2 of 4 stars). 7 submissions from 6 submitters: Uncertain significance (6). 1 of the submissions does not count toward it. Last evaluated 2026-01-14.

Conditions:
CHRNA1-related disorder. Also called: CHRNA1-related condition.
Congenital myasthenic syndrome (CMS). Also called: Congenital Myasthenic Syndromes. Identifiers: Orphanet 590, MedGen C0751882, MeSH D020294, MONDO:0018940.
Inborn genetic diseases. Identifiers: MedGen C0950123, MeSH D030342.
Lethal multiple pterygium syndrome (LMPS). Identifiers: Orphanet 33108, MedGen C1854678, MONDO:0009668, OMIM 253290.

Allele frequency attached by ClinVar (database versions not stated): gnomAD exomes 0.00010 and 0.00008; TOPMed 0.00022; gnomAD 0.00023 and 0.00026; ExAC 0.00002; ESP Exome Variant Server 0.00008.

Submissions (7):

Labcorp Genetics (formerly Invitae), Labcorp
Classification: Uncertain significance for Lethal multiple pterygium syndrome. Last evaluated: 2026-01-14. Review status: criteria provided, single submitter. Criteria: Invitae Variant Classification Sherloc (09022015). Collection method: clinical testing. Allele origin: germline.
Comment: This sequence change replaces alanine, which is neutral and non-polar, with valine, which is neutral and non-polar, at codon 416 of the CHRNA1 protein (p.Ala416Val). This variant is present in population databases (rs367751078, gnomAD 0.03%). This variant has not been reported in the literature in individuals affected with CHRNA1-related conditions. ClinVar contains an entry for this variant (Variation ID: 332439). Invitae Evidence Modeling of protein sequence and biophysical properties (such as structural, functional, and spatial information, amino acid conservation, physicochemical variation, residue mobility, and thermodynamic stability) indicates that this missense variant is not expected to disrupt CHRNA1 protein function with a negative predictive value of 80%. In summary, the available evidence is currently insufficient to determine the role of this variant in disease. Therefore, it has been classified as a Variant of Uncertain Significance.

GeneDx
Classification: Uncertain significance. Last evaluated: 2024-02-24. Review status: criteria provided, single submitter. Criteria: GeneDx Variant Classification Process June 2021. Collection method: clinical testing. Allele origin: germline. Affected: yes.
Comment: In silico analysis supports that this missense variant does not alter protein structure/function; Has not been previously published as pathogenic or benign to our knowledge

Ambry Genetics
Classification: Uncertain significance for Inborn genetic diseases. Last evaluated: 2023-10-20. Review status: criteria provided, single submitter. Criteria: Ambry Variant Classification Scheme 2023. Collection method: clinical testing. Allele origin: germline.

Revvity Omics, Revvity
Classification: Uncertain significance. Last evaluated: 2019-10-04. Review status: criteria provided, single submitter. Criteria: ACMG Guidelines, 2015. Collection method: clinical testing. Allele origin: germline.

Illumina Laboratory Services, Illumina
Classification: Uncertain significance for Lethal multiple pterygium syndrome. Last evaluated: 2018-01-12. Review status: criteria provided, single submitter. Criteria: ICSL Variant Classification Criteria 13 December 2019. Collection method: clinical testing. Allele origin: germline.

Illumina Laboratory Services, Illumina
Classification: Uncertain significance for Congenital myasthenic syndrome. Last evaluated: 2018-01-12. Review status: criteria provided, single submitter. Criteria: ICSL Variant Classification Criteria 13 December 2019. Collection method: clinical testing. Allele origin: germline.

PreventionGenetics, part of Exact Sciences
Classification: Uncertain significance for CHRNA1-related condition. Last evaluated: 2024-04-04. Review status: no assertion criteria provided. Collection method: clinical testing. Allele origin: germline. Not counted in ClinVar's aggregate classification.
Comment: The CHRNA1 c.1322C>T variant is predicted to result in the amino acid substitution p.Ala441Val. To our knowledge, this variant has not been reported in the literature. This variant is reported in 0.031% of alleles in individuals of Latino descent in gnomAD. At this time, the clinical significance of this variant is uncertain due to the absence of conclusive functional and genetic evidence.